The following is an entry in ClinVar:

NM_001369.3(DNAH5):c.3134C>T (p.Pro1045Leu)

Genes: DNAH5 (dynein axonemal heavy chain 5; minus strand), DNAH5-AS1 (DNAH5 antisense RNA 1; plus strand). Cytogenetic location: 5p15.2.
Variant type: single nucleotide variant.
Coding change: c.3134C>T on transcript NM_001369.3 (MANE Select); coding-DNA position 3134, C replaced by T.
Protein change: p.Pro1045Leu; replaces proline 1045 with leucine.
Molecular consequence: missense variant.
Genome position (GRCh38, 1-based): chr5:13,882,944, G>A on the plus strand (C>T on the coding strand, the complement: DNAH5 is on the minus strand). VCF-style: chr5-13882944-G-A. GRCh37 (hg19) VCF-style: chr5-13883053-G-A.
Other names: short protein forms P1045L.
Identifiers: ClinVar variation 3503555 (VCV003503555.2).

ClinVar aggregate classification (germline): Uncertain significance. Review status: criteria provided, multiple submitters, no conflicts (2 of 4 stars). 2 submissions from 2 submitters: Uncertain significance (2). Last evaluated 2025-08-06.

Conditions:
Primary ciliary dyskinesia. Also called: Ciliary dyskinesia. Identifiers: Orphanet 244, MedGen C0008780, MONDO:0016575, HP:0012265.

gnomAD v4.1: 2 of 1,614,112 alleles (0.00012%); highest among the groups gnomAD compares: African/African-American, 0.0013%; no homozygotes.

Submissions (2):

Labcorp Genetics (formerly Invitae), Labcorp
Classification: Uncertain significance for Primary ciliary dyskinesia. Last evaluated: 2025-08-06. Review status: criteria provided, single submitter. Criteria: Invitae Variant Classification Sherloc (09022015). Collection method: clinical testing. Allele origin: germline.
Comment: This sequence change replaces proline, which is neutral and non-polar, with leucine, which is neutral and non-polar, at codon 1045 of the DNAH5 protein (p.Pro1045Leu). This variant is present in population databases (rs754769674, gnomAD 0.007%). This variant has not been reported in the literature in individuals affected with DNAH5-related conditions. ClinVar contains an entry for this variant (Variation ID: 3503555). Invitae Evidence Modeling of protein sequence and biophysical properties (such as structural, functional, and spatial information, amino acid conservation, physicochemical variation, residue mobility, and thermodynamic stability) indicates that this missense variant is not expected to disrupt DNAH5 protein function with a negative predictive value of 95%. In summary, the available evidence is currently insufficient to determine the role of this variant in disease. Therefore, it has been classified as a Variant of Uncertain Significance.

Ambry Genetics
Classification: Uncertain significance for Primary ciliary dyskinesia. Last evaluated: 2024-12-05. Review status: criteria provided, single submitter. Criteria: Ambry Variant Classification Scheme 2023. Collection method: clinical testing. Allele origin: germline.